The following is an entry in ClinVar:

NM_004082.5(DCTN1):c.3571C>A (p.Gln1191Lys)

Gene: DCTN1 (dynactin subunit 1; minus strand). Cytogenetic location: 2p13.1.
Variant type: single nucleotide variant.
Coding change: c.3571C>A on transcript NM_004082.5 (MANE Select); coding-DNA position 3571, C replaced by A.
Protein change: p.Gln1191Lys; replaces glutamine 1191 with lysine.
Molecular consequence: missense variant. On other transcripts: non-coding transcript variant (1).
Genome position (GRCh38, 1-based): chr2:74,362,688, G>T on the plus strand (C>A on the coding strand, the complement: DCTN1 is on the minus strand). VCF-style: chr2-74362688-G-T. GRCh37 (hg19) VCF-style: chr2-74589815-G-T.
Other names: c.3520C>A, p.Gln1174Lys (NM_001378991.1); c.3502C>A, p.Gln1168Lys (NM_001378992.1); c.3169C>A, p.Gln1057Lys (NM_023019.4); c.3496C>A, p.Gln1166Lys (NM_001135040.3); c.3154C>A, p.Gln1052Lys (NM_001135041.3); c.3445C>A, p.Gln1149Lys (NM_001190836.2); c.3550C>A, p.Gln1184Lys (NM_001190837.2); short protein forms Q1057K, Q1184K, Q1168K, Q1191K, Q1166K, Q1174K, Q1052K, Q1149K.
Identifiers: ClinVar variation 2953024 (VCV002953024.3), dbSNP rs2529078188, ClinGen allele CA347336736.
Genomic context (GRCh38, chr2:74,362,688, plus strand): 5'-CTGCCTGGCAAACTGAGCTGACCTTGAGCTTCTCGACGGTGTCACTCAGGGACTTAAGCT[G>T]AGCCACTTGCTCCATAAGTTGGGCCGACGGGCTCTTGGCAGCTGTGGGGAGAGAAAGCTG-3'
Protein context (NP_004073.2, residues 1181-1201): PSAQLMEQVA[Gln1191Lys]LKSLSDTVEK

ClinVar aggregate classification (germline): Uncertain significance (1 of 4 stars; one submission).

Conditions:
Amyotrophic lateral sclerosis type 1 (ALS1). Also called: AMYOTROPHIC LATERAL SCLEROSIS 1, FAMILIAL. Identifiers: Orphanet 803, MedGen C1862939, MONDO:0007103, OMIM 105400.
Neuronopathy, distal hereditary motor, type 7B. Also called: Distal Hereditary Motor Neuronopathy Type 7B (dHMN7B); HMN VIIB; NEURONOPATHY, DISTAL HEREDITARY MOTOR, AUTOSOMAL DOMINANT 14; NEURONOPATHY, DISTAL HEREDITARY MOTOR, HARDING TYPE VIIB; NEUROPATHY, DISTAL HEREDITARY MOTOR, HARDING TYPE VIIB; NEUROPATHY, DISTAL HEREDITARY MOTOR, WITH VOCAL CORD PARALYSIS, HARDING TYPE VIIB. Identifiers: Orphanet 139589, MedGen C1843315, MONDO:0011879, OMIM 607641.
Perry syndrome. Also called: PARKINSONISM WITH ALVEOLAR HYPOVENTILATION AND MENTAL DEPRESSION. Identifiers: Orphanet 178509, MedGen C1868594, MONDO:0008201, OMIM 168605.

Submission:

Labcorp Genetics (formerly Invitae), Labcorp
Classification: Uncertain significance for Amyotrophic lateral sclerosis type 1; Neuronopathy, distal hereditary motor, type 7B; Perry syndrome. Last evaluated: 2023-01-02. Review status: criteria provided, single submitter. Criteria: Invitae Variant Classification Sherloc (09022015). Collection method: clinical testing. Allele origin: germline.
Comment: In summary, the available evidence is currently insufficient to determine the role of this variant in disease. Therefore, it has been classified as a Variant of Uncertain Significance. Advanced modeling of protein sequence and biophysical properties (such as structural, functional, and spatial information, amino acid conservation, physicochemical variation, residue mobility, and thermodynamic stability) performed at Invitae indicates that this missense variant is not expected to disrupt DCTN1 protein function. This variant has not been reported in the literature in individuals affected with DCTN1-related conditions. This variant is not present in population databases (gnomAD no frequency). This sequence change replaces glutamine, which is neutral and polar, with lysine, which is basic and polar, at codon 1191 of the DCTN1 protein (p.Gln1191Lys).